The following is an entry in ClinVar:

NM_003072.5(SMARCA4):c.2259C>T (p.Val753=)

Gene: SMARCA4 (SWI/SNF related BAF chromatin remodeling complex subunit ATPase 4; plus strand). Cytogenetic location: 19p13.2.
Variant type: single nucleotide variant.
Coding change: c.2259C>T on transcript NM_003072.5 (MANE Select); coding-DNA position 2259, C replaced by T.
Protein change: p.Val753=; no amino-acid change (valine 753 retained).
Molecular consequence: synonymous variant. On other transcripts: non-coding transcript variant (1).
Genome position (GRCh38, 1-based): chr19:11,010,516, C>T. VCF-style: chr19-11010516-C-T. GRCh37 (hg19) VCF-style: chr19-11121192-C-T.
Other names: c.2259C>T, p.Val753= (NM_001128844.3, NM_001128845.2, NM_001128846.2 and 5 more transcripts).
Identifiers: ClinVar variation 415082 (VCV000415082.14), dbSNP rs1060504440, ClinGen allele CA16616138.

ClinVar aggregate classification (germline): Benign/Likely benign. Review status: criteria provided, multiple submitters, no conflicts (2 of 4 stars). 3 submissions from 3 submitters: Benign (1); Likely benign (2). Last evaluated 2026-07-13.

Conditions:
Hereditary cancer-predisposing syndrome. Also called: Hereditary Cancer Syndrome; Hereditary neoplastic syndrome; Neoplastic Syndromes, Hereditary; Tumor predisposition. Identifiers: Orphanet 140162, MedGen C0027672, MeSH D009386, MONDO:0015356.
Rhabdoid tumor predisposition syndrome 2 (RTPS2). Identifiers: Orphanet 231108, Orphanet 69077, MedGen C2750074, MONDO:0013224, OMIM 613325.

Allele frequency attached by ClinVar (database versions not stated): gnomAD exomes below 0.00001.
gnomAD v4.1: 2 of 1,613,874 alleles (0.00012%); highest among the groups gnomAD compares: Non-Finnish European, 0.00017%; no homozygotes.

Submissions (3):

Myriad Genetics, Inc.
Classification: Benign for Rhabdoid tumor predisposition syndrome 2. Last evaluated: 2026-07-13. Review status: criteria provided, single submitter. Criteria: Myriad Autosomal Dominant, Autosomal Recessive and X-Linked Classification Criteria (2023). Collection method: clinical testing. Allele origin: unknown.
Comment: This variant is considered benign. This variant is a silent/synonymous amino acid change and it is not expected to impact splicing.

Labcorp Genetics (formerly Invitae), Labcorp
Classification: Likely benign for Rhabdoid tumor predisposition syndrome 2. Last evaluated: 2024-03-03. Review status: criteria provided, single submitter. Criteria: Invitae Variant Classification Sherloc (09022015). Collection method: clinical testing. Allele origin: germline.

Ambry Genetics
Classification: Likely benign for Hereditary cancer-predisposing syndrome. Last evaluated: 2021-07-25. Review status: criteria provided, single submitter. Criteria: Ambry Variant Classification Scheme 2023. Collection method: clinical testing. Allele origin: germline.